The following is an entry in ClinVar:

ClinVar aggregate classification (germline): Conflicting classifications of pathogenicity. Review status: criteria provided, conflicting classifications (1 of 4 stars). 6 submissions from 6 submitters: Uncertain significance (5); Likely benign (1). Last evaluated 2026-02-01.

Conditions:
MYH6-related disorder. Also called: MYH6-related condition; MYH6-Related Disorders.
Cardiovascular phenotype. Identifiers: MedGen CN230736.
Atrial septal defect 3 (ASD3). Identifiers: Orphanet 1478, MedGen C3279790, MONDO:0013567, OMIM 614089.
Hypertrophic cardiomyopathy 1 (CMH1). Also called: MYH7-Related Familial Hypertrophic Cardiomyopathy; Familial hypertrophic cardiomyopathy 1. Identifiers: MedGen C3495498, MONDO:0008647, OMIM 192600.
Sick sinus syndrome 3, susceptibility to (SSS3). Identifiers: Orphanet 166282, MedGen C3279791, MONDO:0013568, OMIM 614090.
Dilated cardiomyopathy 1EE (CMD1EE). Identifiers: Orphanet 154, MedGen C2750466, MONDO:0013198, OMIM 613252.
Hypertrophic cardiomyopathy 14. Identifiers: MedGen C2750467, MONDO:0013197, OMIM 613251.

Allele frequency attached by ClinVar (database versions not stated): ExAC 0.00002; TOPMed 0.00006; gnomAD 0.00007 and 0.00008.
gnomAD v4.1: 62 of 1,506,516 alleles (0.0041%); highest among the groups gnomAD compares: African/African-American, 0.019%; no homozygotes.

Submissions (6):

PreventionGenetics, part of Exact Sciences
Classification: Uncertain significance for MYH6-related condition. Last evaluated: 2026-02-01. Review status: criteria provided, single submitter. Criteria: ACMG Guidelines, 2015. Collection method: clinical testing. Allele origin: germline.
Comment: The MYH6 c.4016G>A variant is predicted to result in the amino acid substitution p.Arg1339Gln. To our knowledge, this variant has not been reported in the literature. This variant is reported in 0.016% of alleles in individuals of African descent in gnomAD. At this time, the clinical significance of this variant is uncertain due to the absence of conclusive functional and genetic evidence.

GeneDx
Classification: Uncertain significance. Last evaluated: 2025-10-01. Review status: criteria provided, single submitter. Criteria: GeneDx Variant Classification Process June 2021. Collection method: clinical testing. Allele origin: germline. Affected: yes.
Comment: In silico analysis supports that this missense variant has a deleterious effect on protein structure/function; Has not been previously published as pathogenic or benign to our knowledge

Labcorp Genetics (formerly Invitae), Labcorp
Classification: Uncertain significance for Hypertrophic cardiomyopathy 14. Last evaluated: 2025-09-05. Review status: criteria provided, single submitter. Criteria: Invitae Variant Classification Sherloc (09022015). Collection method: clinical testing. Allele origin: germline.
Comment: This sequence change replaces arginine, which is basic and polar, with glutamine, which is neutral and polar, at codon 1339 of the MYH6 protein (p.Arg1339Gln). This variant is present in population databases (rs766238876, gnomAD 0.02%). This variant has not been reported in the literature in individuals affected with MYH6-related conditions. ClinVar contains an entry for this variant (Variation ID: 239172). Invitae Evidence Modeling of protein sequence and biophysical properties (such as structural, functional, and spatial information, amino acid conservation, physicochemical variation, residue mobility, and thermodynamic stability) indicates that this missense variant is not expected to disrupt MYH6 protein function with a negative predictive value of 80%. In summary, the available evidence is currently insufficient to determine the role of this variant in disease. Therefore, it has been classified as a Variant of Uncertain Significance.

Ambry Genetics
Classification: Uncertain significance for Cardiovascular phenotype. Last evaluated: 2025-07-15. Review status: criteria provided, single submitter. Criteria: Ambry Variant Classification Scheme 2023. Collection method: clinical testing. Allele origin: germline.

Blueprint Genetics
Classification: Likely benign. Last evaluated: 2023-02-08. Review status: criteria provided, single submitter. Criteria: ACMG Guidelines, 2015. Collection method: clinical testing. Allele origin: germline.

Fulgent Genetics
Classification: Uncertain significance for Hypertrophic cardiomyopathy 1; Hypertrophic cardiomyopathy 14; Dilated cardiomyopathy 1EE; Atrial septal defect 3; Sick sinus syndrome 3, susceptibility to. Last evaluated: 2021-07-22. Review status: criteria provided, single submitter. Criteria: ACMG Guidelines, 2015. Collection method: clinical testing. Allele origin: unknown.

NM_002471.4(MYH6):c.4016G>A (p.Arg1339Gln)

Gene: MYH6 (myosin heavy chain 6; minus strand). Cytogenetic location: 14q11.2.
Variant type: single nucleotide variant.
Coding change: c.4016G>A on transcript NM_002471.4 (MANE Select); coding-DNA position 4016, G replaced by A.
Protein change: p.Arg1339Gln; replaces arginine 1339 with glutamine.
Molecular consequence: missense variant.
Genome position (GRCh38, 1-based): chr14:23,389,018, C>T on the plus strand (G>A on the coding strand, the complement: MYH6 is on the minus strand). VCF-style: chr14-23389018-C-T. GRCh37 (hg19) VCF-style: chr14-23858227-C-T.
Other names: short protein forms R1339Q.
Identifiers: ClinVar variation 239172 (VCV000239172.24), dbSNP rs766238876, ClinGen allele CA7114952.